The following is an entry in ClinVar:

NM_001267550.2(TTN):c.101009G>A (p.Cys33670Tyr)

Genes: TTN-AS1 (TTN antisense RNA 1; plus strand), TTN (titin; minus strand). Cytogenetic location: 2q31.2.
Variant type: single nucleotide variant.
Coding change: c.101009G>A on transcript NM_001267550.2 (MANE Select); coding-DNA position 101009, G replaced by A.
Protein change: p.Cys33670Tyr; replaces cysteine 33670 with tyrosine.
Molecular consequence: missense variant.
Genome position (GRCh38, 1-based): chr2:178,535,606, C>T on the plus strand (G>A on the coding strand, the complement: TTN is on the minus strand). VCF-style: chr2-178535606-C-T. GRCh37 (hg19) VCF-style: chr2-179400333-C-T.
Other names: c.96086G>A, p.Cys32029Tyr (NM_001256850.1); c.73814G>A, p.Cys24605Tyr (NM_003319.4); c.93305G>A, p.Cys31102Tyr (NM_133378.4); c.74189G>A, p.Cys24730Tyr (NM_133432.3); c.74390G>A, p.Cys24797Tyr (NM_133437.4); c.101009G>A (NM_001267550.1); short protein forms C24605Y, C24797Y, C31102Y, C33670Y, C24730Y, C32029Y.
Identifiers: ClinVar variation 1036553 (VCV001036553.8), dbSNP rs749219080, ClinGen allele CA1985947.

ClinVar aggregate classification (germline): Uncertain significance. Review status: criteria provided, multiple submitters, no conflicts (2 of 4 stars). 2 submissions from 2 submitters: Uncertain significance (2). Last evaluated 2024-09-11.

Conditions:
Dilated cardiomyopathy 1G (CMD1G). Identifiers: Orphanet 154, MedGen C1858763, MONDO:0011400, OMIM 604145.
Autosomal recessive limb-girdle muscular dystrophy type 2J (LGMDR10). Also called: Limb-girdle muscular dystrophy, type 2J; MUSCULAR DYSTROPHY, LIMB-GIRDLE, AUTOSOMAL RECESSIVE 10. Identifiers: Orphanet 140922, MedGen C1837342, MONDO:0012127, OMIM 608807.

Allele frequency attached by ClinVar (database versions not stated): gnomAD exomes below 0.00001; ExAC 0.00002.
gnomAD v4.1: 4 of 1,613,878 alleles (0.00025%); highest among the groups gnomAD compares: Non-Finnish European, 0.00034%; no homozygotes.

Submissions (2):

GeneDx
Classification: Uncertain significance. Last evaluated: 2024-09-11. Review status: criteria provided, single submitter. Criteria: GeneDx Variant Classification Process June 2021. Collection method: clinical testing. Allele origin: germline. Affected: yes.
Comment: Not observed at significant frequency in large population cohorts (gnomAD); Missense variant in a gene in which most reported pathogenic variants are truncating/loss of function; Has not been previously published as pathogenic or benign to our knowledge; Located in the M-line region of TTN in which the majority of loss of function variants have been associated with autosomal recessive titinopathies (PMID: 17444505)

Labcorp Genetics (formerly Invitae), Labcorp
Classification: Uncertain significance for Dilated cardiomyopathy 1G; Autosomal recessive limb-girdle muscular dystrophy type 2J. Last evaluated: 2023-12-01. Review status: criteria provided, single submitter. Criteria: Invitae Variant Classification Sherloc (09022015). Collection method: clinical testing. Allele origin: germline.
Comment: This sequence change replaces cysteine, which is neutral and slightly polar, with tyrosine, which is neutral and polar, at codon 33670 of the TTN protein (p.Cys33670Tyr). This variant is present in population databases (rs749219080, gnomAD 0.002%). This variant has not been reported in the literature in individuals affected with TTN-related conditions. ClinVar contains an entry for this variant (Variation ID: 1036553). Experimental studies and prediction algorithms are not available or were not evaluated, and the functional significance of this variant is currently unknown. This variant is located in the M band of TTN (PMID: 25589632). Non-truncating variants in this region may be relevant for neuromuscular disorders, but have not been definitively shown to cause cardiomyopathy (PMID: 23975875). In summary, the available evidence is currently insufficient to determine the role of this variant in disease. Therefore, it has been classified as a Variant of Uncertain Significance.

Literature cited by the submitters: PubMed 25589632 (cited by Labcorp Genetics (formerly Invitae), Labcorp); PubMed 23975875 (cited by Labcorp Genetics (formerly Invitae), Labcorp).